The following is an entry in ClinVar:

NM_000341.4(SLC3A1):c.105G>A (p.Pro35=)

Gene: SLC3A1 (solute carrier family 3 member 1; plus strand). Cytogenetic location: 2p21.
Variant type: single nucleotide variant.
Coding change: c.105G>A on transcript NM_000341.4 (MANE Select); coding-DNA position 105, G replaced by A.
Protein change: p.Pro35=; no amino-acid change (proline 35 retained).
Molecular consequence: synonymous variant.
Genome position (GRCh38, 1-based): chr2:44,275,640, G>A. VCF-style: chr2-44275640-G-A. GRCh37 (hg19) VCF-style: chr2-44502779-G-A.
Identifiers: ClinVar variation 4534185 (VCV004534185.6).

ClinVar aggregate classification (germline): Likely benign (1 of 4 stars; one submission).

gnomAD v4.1: 10 of 1,614,082 alleles (0.00062%); highest among the groups gnomAD compares: South Asian, 0.0011%; no homozygotes.

Submission:

CeGaT Center for Human Genetics Tuebingen
Classification: Likely benign. Last evaluated: 2025-11-01. Review status: criteria provided, single submitter. Criteria: CeGaT Center For Human Genetics Tuebingen Variant Classification Criteria Version 2. Collection method: clinical testing. Allele origin: germline. Affected: yes. Observed: 1 variant allele.
Comment: SLC3A1: BP4, BP7